The following is an entry in ClinVar:

ClinVar aggregate classification (germline): Pathogenic/Likely pathogenic. Review status: criteria provided, multiple submitters, no conflicts (2 of 4 stars). 2 submissions from 2 submitters: Pathogenic (1); Likely pathogenic (1). Last evaluated 2026-05-01.

Conditions:
Long QT syndrome (LQTS). Identifiers: MedGen C0023976, MeSH D008133, MONDO:0002442. Disease mechanism: loss of function. Inheritance: Various modes of inheritance.

Submissions (2):

Women's Health and Genetics/Laboratory Corporation of America, LabCorp
Classification: Pathogenic for Long QT syndrome. Last evaluated: 2026-05-01. Review status: criteria provided, single submitter. Criteria: LabCorp Variant Classification Summary - May 2015. Collection method: clinical testing. Allele origin: germline.
Comment: Variant summary: KCNQ1 c.1702G>C (p.Gly568Arg) results in a non-conservative amino acid change in the encoded protein sequence. Algorithms developed to predict the effect of missense changes on protein structure and function all suggest that this variant is likely to be disruptive. The variant was absent in 251094 control chromosomes. A different variant resulting in the same amino acid consequence has been classified as pathogenic by our lab (c.1702G>A), supporting the pathogenicity of this variant. To our knowledge, no experimental evidence demonstrating an impact on protein function has been reported. The following publications have been ascertained in the context of this evaluation (PMID: 22456477, 23392653, 31229680). ClinVar contains an entry for this variant (Variation ID: 570319). Based on the evidence outlined above, the variant was classified as pathogenic.

Labcorp Genetics (formerly Invitae), Labcorp
Classification: Likely pathogenic for Long QT syndrome. Last evaluated: 2018-02-20. Review status: criteria provided, single submitter. Criteria: Invitae Variant Classification Sherloc (09022015). Collection method: clinical testing. Allele origin: germline.
Comment: This variant is not present in population databases (ExAC no frequency). This sequence change replaces glycine with arginine at codon 568 of the KCNQ1 protein (p.Gly568Arg). The glycine residue is highly conserved and there is a moderate physicochemical difference between glycine and arginine. This variant has been reported to segregate with long QT syndrome in a family and has been reported in individuals with this condition (PMID: 23392653, 22456477). Other missense substitutions at this codon (p.Gly568Glu and p.Gly568Ala) have been reported in individuals affected with long QT syndrome (PMID: 27041096, 12702160). A different variant (c.1702G>A) giving rise to the same protein effect observed here (p.Gly568Arg) has been reported in an individual affected with long QT syndrome (PMID: 22956155). This suggests that the glycine residue is critical for KCNQ1 protein function. In summary, the currently available evidence indicates that the variant is pathogenic, but additional data are needed to prove that conclusively. Therefore, this variant has been classified as Likely Pathogenic. Algorithms developed to predict the effect of missense changes on protein structure and function do not agree on the potential impact of this missense change (SIFT: "Deleterious"; PolyPhen-2: "Probably Damaging"; Align-GVGD: "Class C15").

Literature cited by the submitters: PubMed 23392653 (cited by Women's Health and Genetics/Laboratory Corporation of America, LabCorp and Labcorp Genetics (formerly Invitae), Labcorp); PubMed 22456477 (cited by Women's Health and Genetics/Laboratory Corporation of America, LabCorp and Labcorp Genetics (formerly Invitae), Labcorp); PubMed 31229680 (cited by Women's Health and Genetics/Laboratory Corporation of America, LabCorp); PubMed 27041096 (cited by Labcorp Genetics (formerly Invitae), Labcorp); PubMed 12702160 (cited by Labcorp Genetics (formerly Invitae), Labcorp); PubMed 22956155 (cited by Labcorp Genetics (formerly Invitae), Labcorp).

NM_000218.3(KCNQ1):c.1702G>C (p.Gly568Arg)

Gene: KCNQ1 (potassium voltage-gated channel subfamily Q member 1; plus strand). Cytogenetic location: 11p15.5.
Variant type: single nucleotide variant.
Coding change: c.1702G>C on transcript NM_000218.3 (MANE Select); coding-DNA position 1702, G replaced by C.
Protein change: p.Gly568Arg; replaces glycine 568 with arginine.
Molecular consequence: missense variant.
Genome position (GRCh38, 1-based): chr11:2,777,002, G>C. VCF-style: chr11-2777002-G-C. GRCh37 (hg19) VCF-style: chr11-2798232-G-C.
Other names: c.1606G>C, p.Gly536Arg (NM_001406836.1); c.1432G>C, p.Gly478Arg (NM_001406837.1); c.1162G>C, p.Gly388Arg (NM_001406838.1); c.1321G>C, p.Gly441Arg (NM_181798.2); short protein forms G568R, G441R, G388R, G478R, G536R.
Identifiers: ClinVar variation 570319 (VCV000570319.11), dbSNP rs199472807, ClinGen allele CA379139292.